The following is an entry in ClinVar:

NM_173531.4(ZNF100):c.1230T>C (p.Phe410=)

Gene: ZNF100 (zinc finger protein 100; minus strand). Cytogenetic location: 19p12.
Variant type: single nucleotide variant.
Coding change: c.1230T>C on transcript NM_173531.4 (MANE Select); coding-DNA position 1230, T replaced by C.
Protein change: p.Phe410=; no amino-acid change (phenylalanine 410 retained).
Molecular consequence: synonymous variant.
Genome position (GRCh38, 1-based): chr19:21,727,082, A>G on the plus strand (T>C on the coding strand, the complement: ZNF100 is on the minus strand). VCF-style: chr19-21727082-A-G. GRCh37 (hg19) VCF-style: chr19-21909884-A-G.
Other names: c.927T>C, p.Phe309= (NM_001351671.2); c.585T>C, p.Phe195= (NM_001351672.2); c.1227T>C, p.Phe409= (NM_001351669.2); c.1131T>C, p.Phe377= (NM_001351670.2).
Identifiers: ClinVar variation 3771269 (VCV003771269.13).

ClinVar aggregate classification (germline): Likely benign (1 of 4 stars; one submission).

Submission:

CeGaT Center for Human Genetics Tuebingen
Classification: Likely benign. Last evaluated: 2025-02-01. Review status: criteria provided, single submitter. Criteria: CeGaT Center For Human Genetics Tuebingen Variant Classification Criteria Version 2. Collection method: clinical testing. Allele origin: germline. Affected: yes. Observed: 1 variant allele.
Comment: ZNF100: BP4, BP7